The following is an entry in ClinVar:

NC_000006.11:g.(?_49399441)_(49427179_?)del

Gene: MMUT (methylmalonyl-CoA mutase; minus strand). Cytogenetic location: 6p12.3.
Variant type: Deletion.
Identifiers: ClinVar variation 1411936 (VCV001411936.4).

ClinVar aggregate classification (germline): Pathogenic (1 of 4 stars; one submission).

Submission:

Labcorp Genetics (formerly Invitae), Labcorp
Classification: Pathogenic. Last evaluated: 2022-08-22. Review status: criteria provided, single submitter. Criteria: Invitae Variant Classification Sherloc (09022015). Collection method: clinical testing. Allele origin: germline.
Comment: A gross deletion of the genomic region encompassing the full coding sequence of the MUT gene has been identified. Loss-of-function variants in MUT are known to be pathogenic (PMID: 15781192). The boundaries of this event are unknown as they extend beyond the assayed region for this gene and therefore may encompass additional genes. This variant has not been reported in the literature in individuals affected with MUT-related conditions. For these reasons, this variant has been classified as Pathogenic.

Literature cited by the submitters: PubMed 15781192.